The following is an entry in ClinVar:

ClinVar aggregate classification (germline): Pathogenic. Review status: criteria provided, multiple submitters, no conflicts (2 of 4 stars). 14 submissions from 14 submitters: Pathogenic (10). 4 of the submissions do not count toward it. Last evaluated 2026-09-10.

Conditions:
BBS9-related disorder. Also called: BBS9-related condition.
Retinal dystrophy. Also called: Inherited retinal dystrophy. Identifiers: Orphanet 71862, MedGen C0854723, MeSH D058499, MONDO:0019118, HP:0000556.
Bardet-Biedl syndrome 1 (BBS1). Identifiers: MedGen C2936862, MONDO:0008854, OMIM 209900. Disease mechanism: loss of function.
Bardet-Biedl syndrome (BBS). Identifiers: Orphanet 110, MedGen C0752166, MONDO:0015229.
Bardet-Biedl syndrome 9 (BBS9). Identifiers: Orphanet 110, MedGen C1859567, MONDO:0014437, OMIM 615986.

Submissions (14):

PreventionGenetics, part of Exact Sciences
Classification: Pathogenic for BBS9-related condition. Last evaluated: 2026-09-10. Review status: criteria provided, single submitter. Criteria: ACMG Guidelines, 2015. Collection method: clinical testing. Allele origin: germline.
Comment: The BBS9 c.1877_1880delAACA variant is predicted to result in a frameshift and premature protein termination (p.Lys626Argfs*22). This variant has been reported in the homozygous and compound heterozygous states in individuals with Bardet-Biedl syndrome (Nishimura et al. 2005. PubMed ID: 16380913; Meyer et al. 2022. PubMed ID: 35112343). This variant is reported in 0.011% of alleles in individuals of European (Non-Finnish) descent in gnomAD. Frameshift variants in BBS9 are expected to be pathogenic. Given the evidence, we interpret this variant as pathogenic.

Labcorp Genetics (formerly Invitae), Labcorp
Classification: Pathogenic for Bardet-Biedl syndrome. Last evaluated: 2025-10-13. Review status: criteria provided, single submitter. Criteria: Invitae Variant Classification Sherloc (09022015). Collection method: clinical testing. Allele origin: germline.
Comment: This sequence change creates a premature translational stop signal (p.Lys626Argfs*22) in the BBS9 gene. It is expected to result in an absent or disrupted protein product. Loss-of-function variants in BBS9 are known to be pathogenic (PMID: 16380913, 20177705). This variant is present in population databases (rs774006614, gnomAD 0.01%). This premature translational stop signal has been observed in individuals with Bardet-Biedl syndrome (PMID: 16380913). It has also been observed to segregate with disease in related individuals. ClinVar contains an entry for this variant (Variation ID: 2662). For these reasons, this variant has been classified as Pathogenic.

Blueprint Genetics
Classification: Pathogenic for BBS9-related disorders. Last evaluated: 2024-09-02. Review status: criteria provided, single submitter. Criteria: ACMG Guidelines, 2015. Collection method: clinical testing. Allele origin: germline. Affected: yes. Observed: 5 variant alleles.

Fulgent Genetics
Classification: Pathogenic for Bardet-Biedl syndrome 9. Last evaluated: 2024-03-29. Review status: criteria provided, single submitter. Criteria: ACMG Guidelines, 2015. Collection method: clinical testing. Allele origin: germline.

Baylor Genetics
Classification: Pathogenic for Bardet-Biedl syndrome 9. Last evaluated: 2024-03-12. Review status: criteria provided, single submitter. Criteria: ACMG Guidelines, 2015. Collection method: clinical testing. Allele origin: unknown.

Clinical Genetics Laboratory, Skane University Hospital Lund
Classification: Pathogenic. Last evaluated: 2023-08-28. Review status: criteria provided, single submitter. Criteria: ACMG Guidelines, 2015. Collection method: clinical testing. Allele origin: germline. Affected: yes.

Institute of Medical Genetics and Applied Genomics, University Hospital Tübingen
Classification: Pathogenic for Bardet-Biedl syndrome 9. Last evaluated: 2022-12-20. Review status: criteria provided, single submitter. Criteria: ACMG Guidelines, 2015. Collection method: clinical testing. Allele origin: germline. Inheritance: Autosomal recessive inheritance. Affected: yes.

Center for Pediatric Genomic Medicine, Children's Mercy Hospital and Clinics
Classification: Pathogenic. Last evaluated: 2016-12-05. Review status: criteria provided, single submitter. Criteria: ACMG Guidelines, 2015. Collection method: clinical testing. Allele origin: germline.

Genome Diagnostics Laboratory, University Medical Center Utrecht
Classification: Pathogenic for Bardet-Biedl syndrome 1. Last evaluated: 2016-01-06. Review status: criteria provided, single submitter. Criteria: ACGS Guidelines, 2013. Collection method: clinical testing. Allele origin: germline. Affected: yes. Study: VKGL Data-share Consensus.

Institute of Human Genetics, Univ. Regensburg, Univ. Regensburg
Classification: Pathogenic for Retinal dystrophy. Last evaluated: 2009-01-01. Review status: criteria provided, single submitter. Criteria: ACMG Guidelines, 2015. Collection method: clinical testing. Allele origin: germline. Affected: yes.

OMIM
Classification: Pathogenic for BARDET-BIEDL SYNDROME 9. Last evaluated: 2005-12-01. Review status: no assertion criteria provided. Collection method: literature only. Allele origin: germline. Not counted in ClinVar's aggregate classification.

Diagnostic Laboratory, Department of Genetics, University Medical Center Groningen
Classification: Pathogenic for Bardet-Biedl syndrome 1. Review status: no assertion criteria provided. Collection method: clinical testing. Allele origin: germline. Affected: yes. Study: VKGL Data-share Consensus. Not counted in ClinVar's aggregate classification.

Genome Diagnostics Laboratory, Amsterdam University Medical Center
Classification: Pathogenic. Review status: no assertion criteria provided. Collection method: clinical testing. Allele origin: germline. Affected: yes. Study: VKGL Data-share Consensus. Not counted in ClinVar's aggregate classification.

Joint Genome Diagnostic Labs from Nijmegen and Maastricht, Radboudumc and MUMC+
Classification: Pathogenic. Review status: no assertion criteria provided. Collection method: clinical testing. Allele origin: germline. Affected: yes. Study: VKGL Data-share Consensus. Not counted in ClinVar's aggregate classification.

Literature cited by the submitters: PubMed 16380913 (cited by 3 submitters); PubMed 20177705 (cited by Labcorp Genetics (formerly Invitae), Labcorp); PubMed 31589614 (cited by Institute of Human Genetics, Univ. Regensburg, Univ. Regensburg); PubMed 31964843 (cited by Institute of Human Genetics, Univ. Regensburg, Univ. Regensburg); PubMed 35112343 (cited by Institute of Human Genetics, Univ. Regensburg, Univ. Regensburg).

NM_198428.3(BBS9):c.1877_1880del (p.Lys626fs)

Gene: BBS9 (Bardet-Biedl syndrome 9; plus strand). Cytogenetic location: 7p14.3.
Variant type: Deletion.
Coding change: c.1877_1880del on transcript NM_198428.3 (MANE Select); coding-DNA positions 1877 to 1880, 4 bases deleted (AACA; older notation c.1877_1880delAACA).
Protein change: p.Lys626fs; shifts the reading frame from lysine 626.
Molecular consequence: frameshift variant. On other transcripts: non-coding transcript variant (3).
Genome position (GRCh38, 1-based): chr7:33,383,753-33,383,756, AACA deleted; deleting any 4 consecutive bases within chr7:33,383,752-33,383,756 gives the same sequence; the c. name uses the placement nearest the transcript's 3' end. VCF-style (leftmost placement, unchanged base first): chr7-33383751-AAAAC-A. GRCh37 (hg19) VCF-style: chr7-33423363-AAAAC-A.
Other names: c.1772_1775del, p.Lys591fs (NM_001033604.2); c.1862_1865del, p.Lys621fs (NM_001033605.2); c.1877_1880del, p.Lys626fs (NM_001348036.1, NM_001348041.4, NM_001348043.3 and 1 more transcripts); c.1511_1514del, p.Lys504fs (NM_001348037.3, NM_001348045.3, NM_001348046.3); c.1604_1607del, p.Lys535fs (NM_001348038.3); c.1499_1502del, p.Lys500fs (NM_001348039.3); c.1757_1760del, p.Lys586fs (NM_001348040.3, NM_014451.4); c.1742_1745del, p.Lys581fs (NM_001348042.3); and 2 more; short protein forms K504fs, K581fs, K500fs, K535fs, K621fs, K626fs, K586fs, K591fs.
Identifiers: ClinVar variation 2662 (VCV000002662.25), dbSNP rs606231137, ClinGen allele CA252391.